The following is an entry in ClinVar:

ClinVar aggregate classification (germline): Uncertain significance. Review status: criteria provided, multiple submitters, no conflicts (2 of 4 stars). 2 submissions from 2 submitters: Uncertain significance (2). Last evaluated 2025-03-27.

Conditions:
Inborn genetic diseases. Identifiers: MedGen C0950123, MeSH D030342.

Allele frequency attached by ClinVar (database versions not stated): gnomAD exomes 0.00002; TOPMed 0.00002; gnomAD 0.00001; ExAC 0.00002.

Submissions (2):

Ambry Genetics
Classification: Uncertain significance for Inborn genetic diseases. Last evaluated: 2025-03-27. Review status: criteria provided, single submitter. Criteria: Ambry Variant Classification Scheme 2023. Collection method: clinical testing. Allele origin: germline.

Labcorp Genetics (formerly Invitae), Labcorp
Classification: Uncertain significance. Last evaluated: 2022-07-16. Review status: criteria provided, single submitter. Criteria: Invitae Variant Classification Sherloc (09022015). Collection method: clinical testing. Allele origin: germline.
Comment: This sequence change replaces proline, which is neutral and non-polar, with serine, which is neutral and polar, at codon 907 of the ADAMTSL4 protein (p.Pro907Ser). This variant is present in population databases (rs769497461, gnomAD 0.03%). This variant has not been reported in the literature in individuals affected with ADAMTSL4-related conditions. Algorithms developed to predict the effect of missense changes on protein structure and function (SIFT, PolyPhen-2, Align-GVGD) all suggest that this variant is likely to be disruptive. In summary, the available evidence is currently insufficient to determine the role of this variant in disease. Therefore, it has been classified as a Variant of Uncertain Significance.

NM_019032.6(ADAMTSL4):c.2719C>T (p.Pro907Ser)

Gene: ADAMTSL4 (ADAMTS like 4; plus strand). Cytogenetic location: 1q21.2.
Variant type: single nucleotide variant.
Coding change: c.2719C>T on transcript NM_019032.6 (MANE Select); coding-DNA position 2719, C replaced by T.
Protein change: p.Pro907Ser; replaces proline 907 with serine.
Molecular consequence: missense variant.
Genome position (GRCh38, 1-based): chr1:150,559,121, C>T. VCF-style: chr1-150559121-C-T. GRCh37 (hg19) VCF-style: chr1-150531597-C-T.
Other names: c.2602C>T, p.Pro868Ser (NM_001288607.2); c.2788C>T, p.Pro930Ser (NM_001288608.2); c.2719C>T, p.Pro907Ser (NM_001378596.1); c.2719C>T (NM_019032.4); short protein forms P907S, P930S, P868S.
Identifiers: ClinVar variation 2192270 (VCV002192270.2), dbSNP rs769497461, ClinGen allele CA1078815.
Genomic context (GRCh38, chr1:150,559,121, plus strand): 5'-ACTGGGCAGAGCTGTCCAACAGGAAGCCGGCCCCCTGACATGCGCGCCTGCAGCCTGGGG[C>T]CCTGTGAGAGAACTTGGCGCTGGTACACAGGGCCCTGGGGTGAGGTAAGCTGAGCGCCTG-3'
Protein context (NP_061905.2, residues 897-917): PPDMRACSLG[Pro907Ser]CERTWRWYTG